The following is an entry in ClinVar:

ClinVar aggregate classification (germline): Uncertain significance. Review status: criteria provided, multiple submitters, no conflicts (2 of 4 stars). 3 submissions from 3 submitters: Uncertain significance (3). Last evaluated 2025-12-09.

Conditions:
Autosomal dominant nonsyndromic hearing loss 17. Also called: Autosomal dominant nonsyndromic deafness 17; Deafness, autosomal dominant 17. Identifiers: Orphanet 90635, MedGen C1863659, MONDO:0011350, OMIM 603622.

Submissions (3):

GeneDx
Classification: Uncertain significance. Last evaluated: 2025-12-09. Review status: criteria provided, single submitter. Criteria: GeneDx Variant Classification Process June 2021. Collection method: clinical testing. Allele origin: germline. Affected: yes.
Comment: De novo variant with confirmed parentage in multiple patients referred for genetic testing at GeneDx with reported clinical features that are only partially consistent with the features typically observed in individuals with pathogenic variants in this gene; Not observed at significant frequency in large population cohorts (gnomAD); In silico analysis suggests that this missense variant does not alter protein structure/function; Has not been previously published as pathogenic or benign to our knowledge

Labcorp Genetics (formerly Invitae), Labcorp
Classification: Uncertain significance. Last evaluated: 2025-03-04. Review status: criteria provided, single submitter. Criteria: Invitae Variant Classification Sherloc (09022015). Collection method: clinical testing. Allele origin: germline.
Comment: This sequence change replaces arginine, which is basic and polar, with proline, which is neutral and non-polar, at codon 1226 of the MYH9 protein (p.Arg1226Pro). This variant is not present in population databases (gnomAD no frequency). This variant has not been reported in the literature in individuals affected with MYH9-related conditions. ClinVar contains an entry for this variant (Variation ID: 1205631). Invitae Evidence Modeling of protein sequence and biophysical properties (such as structural, functional, and spatial information, amino acid conservation, physicochemical variation, residue mobility, and thermodynamic stability) indicates that this missense variant is not expected to disrupt MYH9 protein function with a negative predictive value of 95%. In summary, the available evidence is currently insufficient to determine the role of this variant in disease. Therefore, it has been classified as a Variant of Uncertain Significance.

Laboratorio de Genetica e Diagnostico Molecular, Hospital Israelita Albert Einstein
Classification: Uncertain significance for Autosomal dominant nonsyndromic hearing loss 17. Last evaluated: 2022-12-02. Review status: criteria provided, single submitter. Criteria: ACMG Guidelines, 2015. Collection method: clinical testing. Allele origin: germline. Affected: yes. Observed: 1 variant allele.
Comment: ACMG classification criteria: PM2 moderated, PP2 supporting, BP4 supporting

NM_002473.6(MYH9):c.3677G>C (p.Arg1226Pro)

Gene: MYH9 (myosin heavy chain 9; minus strand). Cytogenetic location: 22q12.3.
Variant type: single nucleotide variant.
Coding change: c.3677G>C on transcript NM_002473.6 (MANE Select); coding-DNA position 3677, G replaced by C.
Protein change: p.Arg1226Pro; replaces arginine 1226 with proline.
Molecular consequence: missense variant.
Genome position (GRCh38, 1-based): chr22:36,294,252, C>G on the plus strand (G>C on the coding strand, the complement: MYH9 is on the minus strand). VCF-style: chr22-36294252-C-G. GRCh37 (hg19) VCF-style: chr22-36690298-C-G.
Other names: short protein forms R1226P.
Identifiers: ClinVar variation 1205631 (VCV001205631.8), dbSNP rs200697030, ClinGen allele CA411386748.